The following is an entry in ClinVar:

ClinVar aggregate classification (germline): Likely pathogenic. Review status: criteria provided, multiple submitters, no conflicts (2 of 4 stars). 2 submissions from 2 submitters: Likely pathogenic (2). Last evaluated 2025-10-22.

Conditions:
LPL-related disorder. Also called: LPL-related condition.

Submissions (2):

Labcorp Genetics (formerly Invitae), Labcorp
Classification: Likely pathogenic. Last evaluated: 2025-10-22. Review status: criteria provided, single submitter. Criteria: Invitae Variant Classification Sherloc (09022015). Collection method: clinical testing. Allele origin: germline.
Comment: This sequence change replaces valine, which is neutral and non-polar, with phenylalanine, which is neutral and non-polar, at codon 227 of the LPL protein (p.Val227Phe). This variant is not present in population databases (gnomAD no frequency). This missense change has been observed in individuals with chylomicronemia (PMID: 29288010, 36061186). It has also been observed to segregate with disease in related individuals. Invitae Evidence Modeling of protein sequence and biophysical properties (such as structural, functional, and spatial information, amino acid conservation, physicochemical variation, residue mobility, and thermodynamic stability) indicates that this missense variant is expected to disrupt LPL protein function with a positive predictive value of 80%. Experimental studies have shown that this missense change affects LPL function (PMID: 29288010). This variant disrupts the p.Val227 amino acid residue in LPL. Other variant(s) that disrupt this residue have been observed in individuals with LPL-related conditions (PMID: 29153744), which suggests that this may be a clinically significant amino acid residue. In summary, the currently available evidence indicates that the variant is pathogenic, but additional data are needed to prove that conclusively. Therefore, this variant has been classified as Likely Pathogenic.

Blueprint Genetics
Classification: Likely pathogenic for LPL-related disorders. Last evaluated: 2022-01-07. Review status: criteria provided, single submitter. Criteria: ACMG Guidelines, 2015. Collection method: clinical testing. Allele origin: germline. Affected: yes. Observed: 1 variant allele.

Literature cited by the submitters: PubMed 29288010 (cited by Labcorp Genetics (formerly Invitae), Labcorp); PubMed 36061186 (cited by Labcorp Genetics (formerly Invitae), Labcorp); PubMed 29153744 (cited by Labcorp Genetics (formerly Invitae), Labcorp).

NM_000237.3(LPL):c.679G>T (p.Val227Phe)

Gene: LPL (lipoprotein lipase; plus strand). Cytogenetic location: 8p21.3.
Variant type: single nucleotide variant.
Coding change: c.679G>T on transcript NM_000237.3 (MANE Select); coding-DNA position 679, G replaced by T.
Protein change: p.Val227Phe; replaces valine 227 with phenylalanine.
Molecular consequence: missense variant.
Genome position (GRCh38, 1-based): chr8:19,954,257, G>T. VCF-style: chr8-19954257-G-T. GRCh37 (hg19) VCF-style: chr8-19811768-G-T.
Other names: short protein forms V227F.
Identifiers: ClinVar variation 4709571 (VCV004709571.2).